The following is an entry in ClinVar:

ClinVar aggregate classification (germline): Uncertain significance (1 of 4 stars; one submission).

Conditions:
Fanconi anemia (FA). Also called: Fanconi's anemia. Identifiers: Orphanet 84, MedGen C0015625, MeSH D005199, MONDO:0019391.

Allele frequency attached by ClinVar (database versions not stated): gnomAD 0.00001; TOPMed 0.00001.
gnomAD v4.1: 2 of 1,613,660 alleles (0.00012%); highest among the groups gnomAD compares: Admixed American, 0.0017%; no homozygotes.

Submission:

Labcorp Genetics (formerly Invitae), Labcorp
Classification: Uncertain significance for Fanconi anemia. Last evaluated: 2019-04-28. Review status: criteria provided, single submitter. Criteria: Invitae Variant Classification Sherloc (09022015). Collection method: clinical testing. Allele origin: germline.
Comment: This sequence change replaces aspartic acid with glycine at codon 1901 of the FANCM protein (p.Asp1901Gly). The aspartic acid residue is moderately conserved and there is a moderate physicochemical difference between aspartic acid and glycine. This variant is not present in population databases (ExAC no frequency). This variant has not been reported in the literature in individuals with FANCM-related conditions. Algorithms developed to predict the effect of missense changes on protein structure and function are either unavailable or do not agree on the potential impact of this missense change (SIFT: "Deleterious"; PolyPhen-2: "Probably Damaging"; Align-GVGD: "Class C15"). In summary, the available evidence is currently insufficient to determine the role of this variant in disease. Therefore, it has been classified as a Variant of Uncertain Significance.

NM_020937.4(FANCM):c.5702A>G (p.Asp1901Gly)

Gene: FANCM (FA complementation group M; plus strand). Cytogenetic location: 14q21.2.
Variant type: single nucleotide variant.
Coding change: c.5702A>G on transcript NM_020937.4 (MANE Select); coding-DNA position 5702, A replaced by G.
Protein change: p.Asp1901Gly; replaces aspartic acid 1901 with glycine.
Molecular consequence: missense variant.
Genome position (GRCh38, 1-based): chr14:45,196,533, A>G. VCF-style: chr14-45196533-A-G. GRCh37 (hg19) VCF-style: chr14-45665736-A-G.
Other names: c.5624A>G, p.Asp1875Gly (NM_001308133.2); short protein forms D1875G, D1901G.
Identifiers: ClinVar variation 950397 (VCV000950397.9), dbSNP rs1164461453, ClinGen allele CA389586459.